The following is an entry in ClinVar:

NM_005359.6(SMAD4):c.1036C>G (p.Pro346Ala)

Gene: SMAD4 (SMAD family member 4; plus strand). Cytogenetic location: 18q21.2.
Variant type: single nucleotide variant.
Coding change: c.1036C>G on transcript NM_005359.6 (MANE Select); coding-DNA position 1036, C replaced by G.
Protein change: p.Pro346Ala; replaces proline 346 with alanine.
Molecular consequence: missense variant.
Genome position (GRCh38, 1-based): chr18:51,065,503, C>G. VCF-style: chr18-51065503-C-G. GRCh37 (hg19) VCF-style: chr18-48591873-C-G.
Other names: short protein forms P346A.
Identifiers: ClinVar variation 1415596 (VCV001415596.9), dbSNP rs2144446966, ClinGen allele CA402464258.
Genomic context (GRCh38, chr18:51,065,503, plus strand): 5'-ATTGCTTACTTTGAAATGGATGTTCAGGTAGGAGAGACATTTAAGGTTCCTTCAAGCTGC[C>G]CTATTGTTACTGTTGATGGATACGTGGACCCTTCTGGAGGAGATCGCTTTTGTTTGGGTC-3'
Protein context (NP_005350.1, residues 336-356): GETFKVPSSC[Pro346Ala]IVTVDGYVDP

ClinVar aggregate classification (germline): Uncertain significance. Review status: criteria provided, multiple submitters, no conflicts (2 of 4 stars). 2 submissions from 2 submitters: Uncertain significance (2). Last evaluated 2025-10-28.

Conditions:
Juvenile polyposis syndrome (JPS). Identifiers: Orphanet 2929, MedGen C0345893, MONDO:0017380, OMIM 174900.
Hereditary cancer-predisposing syndrome. Also called: Hereditary neoplastic syndrome; Neoplastic Syndromes, Hereditary; Hereditary Cancer Syndrome; Tumor predisposition. Identifiers: Orphanet 140162, MedGen C0027672, MeSH D009386, MONDO:0015356.
Familial thoracic aortic aneurysm and aortic dissection (TAAD). Also called: Thoracic aortic aneurysms and dissections. Identifiers: Orphanet 91387, MedGen C4707243, MONDO:0019625.

Submissions (2):

Labcorp Genetics (formerly Invitae), Labcorp
Classification: Uncertain significance for Juvenile polyposis syndrome. Last evaluated: 2025-10-28. Review status: criteria provided, single submitter. Criteria: Invitae Variant Classification Sherloc (09022015). Collection method: clinical testing. Allele origin: germline.
Comment: This sequence change replaces proline, which is neutral and non-polar, with alanine, which is neutral and non-polar, at codon 346 of the SMAD4 protein (p.Pro346Ala). This variant is not present in population databases (gnomAD no frequency). This variant has not been reported in the literature in individuals affected with SMAD4-related conditions. ClinVar contains an entry for this variant (Variation ID: 1415596). Invitae Evidence Modeling of protein sequence and biophysical properties (such as structural, functional, and spatial information, amino acid conservation, physicochemical variation, residue mobility, and thermodynamic stability) has been performed for this missense variant. However, the output from this modeling did not meet the statistical confidence thresholds required to predict the impact of this variant on SMAD4 protein function. In summary, the available evidence is currently insufficient to determine the role of this variant in disease. Therefore, it has been classified as a Variant of Uncertain Significance.

Ambry Genetics
Classification: Uncertain significance for Hereditary cancer-predisposing syndrome; Familial thoracic aortic aneurysm and aortic dissection. Last evaluated: 2025-03-24. Review status: criteria provided, single submitter. Criteria: Ambry Variant Classification Scheme 2023. Collection method: clinical testing. Allele origin: germline.
Comment: The p.P346A variant (also known as c.1036C>G), located in coding exon 8 of the SMAD4 gene, results from a C to G substitution at nucleotide position 1036. The proline at codon 346 is replaced by alanine, an amino acid with highly similar properties. This amino acid position is highly conserved in available vertebrate species. In addition, this alteration is predicted to be deleterious by in silico analysis. Based on the available evidence, the clinical significance of this variant remains unclear.